The following is an entry in ClinVar:

NM_001384910.1(GUCA1A):c.154G>A (p.Ala52Thr)

Genes: GUCA1A (guanylate cyclase activator 1A; plus strand), GUCA1ANB-GUCA1A (GUCA1ANB-GUCA1A readthrough; plus strand). Cytogenetic location: 6p21.1.
Variant type: single nucleotide variant.
Coding change: c.154G>A on transcript NM_001384910.1 (MANE Select); coding-DNA position 154, G replaced by A.
Protein change: p.Ala52Thr; replaces alanine 52 with threonine.
Molecular consequence: missense variant.
Genome position (GRCh38, 1-based): chr6:42,173,767, G>A. VCF-style: chr6-42173767-G-A. GRCh37 (hg19) VCF-style: chr6-42141505-G-A.
Other names: c.154G>A, p.Ala52Thr (NM_000409.5, NM_001319061.2, NM_001319062.2); short protein forms A52T.
Identifiers: ClinVar variation 839598 (VCV000839598.9), dbSNP rs141895770, ClinGen allele CA3805275.

ClinVar aggregate classification (germline): Conflicting classifications of pathogenicity. Review status: criteria provided, conflicting classifications (1 of 4 stars). 2 submissions from 2 submitters: Uncertain significance (1); Likely benign (1). Last evaluated 2025-11-22.

Allele frequency attached by ClinVar (database versions not stated): gnomAD exomes 0.00003 and 0.00004; ExAC 0.00005; ESP Exome Variant Server 0.00015; TOPMed 0.00020; gnomAD 0.00021 and 0.00023; 1000 Genomes Project 30x 0.00062; 1000 Genomes Project 0.00080.

Submissions (2):

Labcorp Genetics (formerly Invitae), Labcorp
Classification: Uncertain significance. Last evaluated: 2025-11-22. Review status: criteria provided, single submitter. Criteria: Invitae Variant Classification Sherloc (09022015). Collection method: clinical testing. Allele origin: germline.
Comment: This sequence change replaces alanine, which is neutral and non-polar, with threonine, which is neutral and polar, at codon 52 of the GUCA1A protein (p.Ala52Thr). This variant is present in population databases (rs141895770, gnomAD 0.07%), and has an allele count higher than expected for a pathogenic variant. This variant has not been reported in the literature in individuals affected with GUCA1A-related conditions. ClinVar contains an entry for this variant (Variation ID: 839598). An algorithm developed to predict the effect of missense changes on protein structure and function outputs the following: PolyPhen-2: "Benign". The threonine amino acid residue is found in multiple mammalian species, which suggests that this missense change does not adversely affect protein function. In summary, the available evidence is currently insufficient to determine the role of this variant in disease. Therefore, it has been classified as a Variant of Uncertain Significance.

Blueprint Genetics
Classification: Likely benign. Last evaluated: 2024-10-17. Review status: criteria provided, single submitter. Criteria: ACMG Guidelines, 2015. Collection method: clinical testing. Allele origin: germline.